The following is an entry in ClinVar:

ClinVar aggregate classification (germline): Uncertain significance. Review status: criteria provided, multiple submitters, no conflicts (2 of 4 stars). 2 submissions from 2 submitters: Uncertain significance (2). Last evaluated 2025-01-27.

Conditions:
Adams-Oliver syndrome 5 (AOS5). Identifiers: Orphanet 974, MedGen C4014970, MONDO:0014459, OMIM 616028.

Submissions (2):

GeneDx
Classification: Uncertain significance. Last evaluated: 2025-01-27. Review status: criteria provided, single submitter. Criteria: GeneDx Variant Classification Process June 2021. Collection method: clinical testing. Allele origin: germline. Affected: yes.
Comment: Not observed at significant frequency in large population cohorts (gnomAD); In silico analysis indicates that this missense variant does not alter protein structure/function; Has not been previously published as pathogenic or benign to our knowledge

Labcorp Genetics (formerly Invitae), Labcorp
Classification: Uncertain significance for Adams-Oliver syndrome 5. Last evaluated: 2024-12-08. Review status: criteria provided, single submitter. Criteria: Invitae Variant Classification Sherloc (09022015). Collection method: clinical testing. Allele origin: germline.
Comment: This sequence change replaces aspartic acid, which is acidic and polar, with tyrosine, which is neutral and polar, at codon 1457 of the NOTCH1 protein (p.Asp1457Tyr). This variant is not present in population databases (gnomAD no frequency). This variant has not been reported in the literature in individuals affected with NOTCH1-related conditions. Invitae Evidence Modeling of protein sequence and biophysical properties (such as structural, functional, and spatial information, amino acid conservation, physicochemical variation, residue mobility, and thermodynamic stability) indicates that this missense variant is not expected to disrupt NOTCH1 protein function with a negative predictive value of 80%. In summary, the available evidence is currently insufficient to determine the role of this variant in disease. Therefore, it has been classified as a Variant of Uncertain Significance.

NM_017617.5(NOTCH1):c.4369G>T (p.Asp1457Tyr)

Gene: NOTCH1 (notch receptor 1; minus strand). Cytogenetic location: 9q34.3.
Variant type: single nucleotide variant.
Coding change: c.4369G>T on transcript NM_017617.5 (MANE Select); coding-DNA position 4369, G replaced by T.
Protein change: p.Asp1457Tyr; replaces aspartic acid 1457 with tyrosine.
Molecular consequence: missense variant.
Genome position (GRCh38, 1-based): chr9:136,505,527, C>A on the plus strand (G>T on the coding strand, the complement: NOTCH1 is on the minus strand). VCF-style: chr9-136505527-C-A. GRCh37 (hg19) VCF-style: chr9-139399979-C-A.
Other names: c.4369G>T (NM_017617.3); short protein forms D1457Y.
Identifiers: ClinVar variation 3606765 (VCV003606765.3).